The following is an entry in ClinVar:

ClinVar aggregate classification (germline): Pathogenic. Review status: criteria provided, multiple submitters, no conflicts (2 of 4 stars). 9 submissions from 9 submitters: Pathogenic (8). 1 of the submissions does not count toward it. Last evaluated 2025-10-24.

Conditions:
PAFAH1B1-related disorder. Also called: PAFAH1B1-related condition.
Inborn genetic diseases. Identifiers: MedGen C0950123, MeSH D030342.
Lissencephaly. Also called: Lissencephaly spectrum disorders. Identifiers: Orphanet 48471, MedGen C0266463, MeSH D054082, MONDO:0018838, HP:0001339.
Lissencephaly due to LIS1 mutation (LIS1). Also called: PAFAH1B1-Related Lissencephaly/Subcortical Band Heterotopia; Isolated Lissencephaly Sequence; PAFAH1B1-Associated Lissencephaly/Subcortical Band Heterotopia. Identifiers: Orphanet 95232, MedGen C4749301, MONDO:0011830, OMIM 607432.

Submissions (9):

Ambry Genetics
Classification: Pathogenic for Inborn genetic diseases. Last evaluated: 2025-10-24. Review status: criteria provided, single submitter. Criteria: Ambry Variant Classification Scheme 2023. Collection method: clinical testing. Allele origin: germline.
Comment: The c.569-10T>C intronic alteration consists of a T to C substitution 10 nucleotides before exon 7 (coding exon 6) of the PAFAH1B1 gene. This variant was not reported in population-based cohorts in the Genome Aggregation Database (gnomAD). This variant was reported in individual(s) with features consistent with PAFAH1B1-related lissencephaly/subcortical band heterotopia; in at least one individual, it was determined to be de novo (Cardoso, 2000; Uyanik, 2007; Philbert, 2017; Di Donato, 2018). This nucleotide position is well conserved in available vertebrate species. In silico splice site analysis predicts that this alteration will weaken the native splice acceptor site. Based on the available evidence, this alteration is classified as pathogenic.

GeneDx
Classification: Pathogenic. Last evaluated: 2023-06-07. Review status: criteria provided, single submitter. Criteria: GeneDx Variant Classification Process June 2021. Collection method: clinical testing. Allele origin: germline. Affected: yes.
Comment: Functional studies suggest c.569-10 T>C causes abnormal gene splicing (Philbert et al., 2017); In silico analysis supports a deleterious effect on splicing; Not observed at significant frequency in large population cohorts (gnomAD); This variant is associated with the following publications: (PMID: 17664403, 11115846, 27891766, 29671837, 36100855)

Labcorp Genetics (formerly Invitae), Labcorp
Classification: Pathogenic. Last evaluated: 2022-08-21. Review status: criteria provided, single submitter. Criteria: Invitae Variant Classification Sherloc (09022015). Collection method: clinical testing. Allele origin: germline.
Comment: This variant is not present in population databases (gnomAD no frequency). This sequence change falls in intron 6 of the PAFAH1B1 gene. It does not directly change the encoded amino acid sequence of the PAFAH1B1 protein. RNA analysis indicates that this variant induces altered splicing and may result in an absent or disrupted protein product. This variant has been observed in individual(s) with lissencephaly (PMID: 11115846, 17664403, 27891766). In at least one individual the variant was observed to be de novo. For these reasons, this variant has been classified as Pathogenic. Studies have shown that this variant results in skipping of exon 7 and introduces a premature termination codon (PMID: 27891766). The resulting mRNA is expected to undergo nonsense-mediated decay. ClinVar contains an entry for this variant (Variation ID: 21182).

Blueprint Genetics
Classification: Pathogenic for PAFAH1B1-related disorders. Last evaluated: 2022-04-12. Review status: criteria provided, single submitter. Criteria: ACMG Guidelines, 2015. Collection method: clinical testing. Allele origin: de novo. Affected: yes. Observed: 2 variant alleles.

Mendelics
Classification: Pathogenic for Lissencephaly due to LIS1 mutation. Last evaluated: 2019-05-28. Review status: criteria provided, single submitter. Criteria: Mendelics Assertion Criteria 2017. Collection method: clinical testing. Allele origin: unknown.

Eurofins Ntd Llc (ga)
Classification: Pathogenic. Last evaluated: 2017-12-11. Review status: criteria provided, single submitter. Criteria: EGL Classification Definitions 2015. Collection method: clinical testing. Allele origin: germline. Observed: 1 variant allele, 1 heterozygote.

Genetic Services Laboratory, University of Chicago
Classification: Pathogenic for Lissencephaly 1. Last evaluated: 2013-02-08. Review status: criteria provided, single submitter. Criteria: ACMG Guidelines, 2007. Collection method: clinical testing. Allele origin: germline. Inheritance: Autosomal dominant inheritance. Affected: yes.

Rady Children's Institute for Genomic Medicine, Rady Children's Hospital San Diego
Classification: Pathogenic for Lissencephaly due to LIS1 mutation. Review status: criteria provided, single submitter. Criteria: ACMG Guidelines, 2015. Collection method: clinical testing. Allele origin: germline. Affected: yes.
Comment: This variant has been previously reported as a de novo change in patients with lissencephaly (PMID: 11115846, 27891766). Functional studies in patient fibroblasts demonstrated that this variant leads to exon skipping (PMID: 27891766). It is absent from the gnomAD population database and thus is presumed to be rare. Analysis of the parental samples was negative for the variant, indicating the variant likely occurred as a de novo event. Based on the available evidence, the c.569-10T>C variant is classified as Pathogenic.

University of Washington Center for Mendelian Genomics, University of Washington
Classification: Likely pathogenic for lissencephaly. Review status: no assertion criteria provided. Collection method: research. Allele origin: unknown. Affected: yes. Not counted in ClinVar's aggregate classification.

Literature cited by the submitters: PubMed 11115846 (cited by 3 submitters); PubMed 17664403 (cited by 3 submitters); PubMed 27891766 (cited by 3 submitters); PubMed 29671837 (cited by Ambry Genetics and University of Washington Center for Mendelian Genomics, University of Washington).

NM_000430.4(PAFAH1B1):c.569-10T>C

Gene: PAFAH1B1 (platelet activating factor acetylhydrolase 1b regulatory subunit 1; plus strand). Cytogenetic location: 17p13.3.
Variant type: single nucleotide variant.
Coding change: c.569-10T>C on transcript NM_000430.4 (MANE Select); 10 bases into the intron before coding-DNA position 569, T replaced by C.
Molecular consequence: intron variant.
Genome position (GRCh38, 1-based): chr17:2,672,645, T>C. VCF-style: chr17-2672645-T-C. GRCh37 (hg19) VCF-style: chr17-2575939-T-C.
Identifiers: ClinVar variation 21182 (VCV000021182.30), dbSNP rs113994202, ClinGen allele CA341707.